The following is an entry in ClinVar:

ClinVar aggregate classification (germline): Likely benign. Review status: reviewed by expert panel (3 of 4 stars). 2 submissions from 2 submitters: Likely benign (1). 1 of the submissions does not count toward it. Last evaluated 2024-09-18.

Conditions:
Hereditary thrombocytopenia and hematological cancer predisposition syndrome associated with RUNX1. Also called: Familial Platelet Disorder with Propensity to Acute Myelogenous Leukemia; Familial thrombocytopenia with propensity to acute myelogenous leukemia; PLATELET DISORDER, ASPIRIN-LIKE; RUNX1 Familial Platelet Disorder with Associated Myeloid Malignancies. Identifiers: Orphanet 71290, MedGen C1832388, MeSH C563324, MONDO:0100083, OMIM 601399.
Hereditary thrombocytopenia and hematologic cancer predisposition syndrome. Identifiers: Orphanet 71290, MedGen CN281654, MONDO:0011071.

Submissions (2):

ClinGen Myeloid Malignancy Variant Curation Expert Panel
Classification: Likely benign for Hereditary thrombocytopenia and hematologic cancer predisposition syndrome. Last evaluated: 2024-09-18. Review status: reviewed by expert panel. Criteria: ClinGen MyeloMalig ACMG Specifications v2. Collection method: curation. Allele origin: germline. Inheritance: Autosomal dominant inheritance.
Comment: NM_001754.5(RUNX1):c.897A>G (p.Ala299=) is a synonymous variant which has a SpliceAI score ≤ 0.20 (0.01) (BP4). This variant has a SpliceAI score ≤ 0.20 (0.01) and evolutionary conservation algorithms predict the site as not being conserved (PhyloP score ≤ 2.0 (0.29) (BP7). This variant is completely absent from all population databases with at least 20x coverage for RUNX1 (PM2_Supporting). In summary, this variant meets criteria to be classified as likely benign. ACMG/AMP criteria applied, as specified by the Myeloid Malignancy Variant Curation Expert Panel for RUNX1: BP4, BP7, PM2_supporting.

Labcorp Genetics (formerly Invitae), Labcorp
Classification: Likely benign for Hereditary thrombocytopenia and hematological cancer predisposition syndrome associated with RUNX1. Last evaluated: 2023-06-24. Review status: criteria provided, single submitter. Criteria: Invitae Variant Classification Sherloc (09022015). Collection method: clinical testing. Allele origin: germline. Not counted in ClinVar's aggregate classification.

NM_001754.5(RUNX1):c.897A>G (p.Ala299=)

Gene: RUNX1 (RUNX family transcription factor 1; minus strand). Cytogenetic location: 21q22.12.
Variant type: single nucleotide variant.
Coding change: c.897A>G on transcript NM_001754.5 (MANE Select); coding-DNA position 897, A replaced by G.
Protein change: p.Ala299=; no amino-acid change (alanine 299 retained).
Molecular consequence: synonymous variant.
Genome position (GRCh38, 1-based): chr21:34,799,371, T>C on the plus strand (A>G on the coding strand, the complement: RUNX1 is on the minus strand). VCF-style: chr21-34799371-T-C. GRCh37 (hg19) VCF-style: chr21-36171668-T-C.
Other names: NM_001754.5(RUNX1):c.897A>G; p.Ala299=; c.816A>G, p.Ala272= (NM_001001890.3).
Identifiers: ClinVar variation 2727017 (VCV002727017.4), dbSNP rs2145908489, ClinGen allele CA512232229.